The following is an entry in ClinVar:

NM_001379029.1(CERT1):c.-205G>A

Genes: POLK (DNA polymerase kappa; plus strand), CERT1 (ceramide transporter 1; minus strand). Cytogenetic location: 5q13.3.
Variant type: single nucleotide variant.
Coding change: c.-205G>A on transcript NM_001379029.1 (MANE Select); 205 bases upstream of the start codon, G replaced by A.
Molecular consequence: 5 prime UTR variant. On other transcripts: synonymous variant (1).
Genome position (GRCh38, 1-based): chr5:75,511,412, C>T on the plus strand (G>A on the coding strand, the complement: CERT1 is on the minus strand). VCF-style: chr5-75511412-C-T. GRCh37 (hg19) VCF-style: chr5-74807237-C-T.
Other names: c.180G>A, p.Pro60= (NM_001130105.1); c.-205G>A (NM_001379002.1, NM_001379003.1, NM_001379004.1 and 2 more transcripts).
Identifiers: ClinVar variation 444655 (VCV000444655.44), dbSNP rs1026933314, ClinGen allele CA120940759.
Genomic context (GRCh38, chr5:75,511,412, plus strand): 5'-AGTCCGCCCGCCGCGCCGCCGCCGCGCCTGACACCGAGCGGAGCGAGGAAGGAGGACGAG[C>T]GGTGAAGGAAGCCTACCCTTCCAGCCGTCAGCCGCCGCCGCCGTCGCCGTGACCCCTGCG-3'

ClinVar aggregate classification (germline): Conflicting classifications of pathogenicity. Review status: criteria provided, conflicting classifications (1 of 4 stars). 2 submissions from 2 submitters: Uncertain significance (1); Likely benign (1). Last evaluated 2024-06-03.

Allele frequency attached by ClinVar (database versions not stated): gnomAD exomes 0.00005; gnomAD 0.00011 and 0.00012; TOPMed 0.00012.
gnomAD v4.1: 116 of 1,545,264 alleles (0.0075%); highest among the groups gnomAD compares: Non-Finnish European, 0.0095%; no homozygotes.

Submissions (2):

Women's Health and Genetics/Laboratory Corporation of America, LabCorp
Classification: Likely benign. Last evaluated: 2024-06-03. Review status: criteria provided, single submitter. Criteria: LabCorp Variant Classification Summary - May 2015. Collection method: clinical testing. Allele origin: germline.
Comment: Variant summary: CERT1 c.180G>A alters a conserved nucleotide resulting in a synonymous change. Consensus agreement among computation tools predict no significant impact on normal splicing. However, these predictions have yet to be confirmed by functional studies. The variant was absent in 173352 control chromosomes. The available data on variant occurrences in the general population are insufficient to allow any conclusion about variant significance. To our knowledge, no occurrence of c.180G>A in individuals affected with Intellectual Disability, Autosomal Dominant 34 and no experimental evidence demonstrating its impact on protein function have been reported. ClinVar contains an entry for this variant (Variation ID: 444655). Based on the evidence outlined above, the variant was classified as likely benign.

CeGaT Center for Human Genetics Tuebingen
Classification: Uncertain significance. Last evaluated: 2017-05-01. Review status: criteria provided, single submitter. Criteria: CeGaT Center For Human Genetics Tuebingen Variant Classification Criteria Version 2. Collection method: clinical testing. Allele origin: germline. Affected: yes. Observed: 1 variant allele.